The following is an entry in ClinVar:

NM_198578.4(LRRK2):c.5090T>C (p.Met1697Thr)

Gene: LRRK2 (leucine rich repeat kinase 2; plus strand). Cytogenetic location: 12q12.
Variant type: single nucleotide variant.
Coding change: c.5090T>C on transcript NM_198578.4 (MANE Select); coding-DNA position 5090, T replaced by C.
Protein change: p.Met1697Thr; replaces methionine 1697 with threonine.
Molecular consequence: missense variant.
Genome position (GRCh38, 1-based): chr12:40,321,108, T>C. VCF-style: chr12-40321108-T-C. GRCh37 (hg19) VCF-style: chr12-40714910-T-C.
Other names: short protein forms M1697T.
Identifiers: ClinVar variation 3229681 (VCV003229681.1), dbSNP rs2499878595, ClinGen allele CA384419969.

ClinVar aggregate classification (germline): Uncertain significance (1 of 4 stars; one submission).

Conditions:
Inborn genetic diseases. Identifiers: MedGen C0950123, MeSH D030342.

Submission:

Ambry Genetics
Classification: Uncertain significance for Inborn genetic diseases. Last evaluated: 2023-09-25. Review status: criteria provided, single submitter. Criteria: Ambry Variant Classification Scheme 2023. Collection method: clinical testing. Allele origin: germline.
Comment: The p.M1697T variant (also known as c.5090T>C), located in coding exon 35 of the LRRK2 gene, results from a T to C substitution at nucleotide position 5090. The methionine at codon 1697 is replaced by threonine, an amino acid with similar properties. This amino acid position is conserved. In addition, this alteration is predicted to be deleterious by in silico analysis. Since supporting evidence is limited at this time, the clinical significance of this alteration remains unclear.